The following is an entry in ClinVar:

NM_000059.4(BRCA2):c.993_994del (p.Lys331fs)

Gene: BRCA2 (BRCA2 DNA repair associated; plus strand). Cytogenetic location: 13q13.1.
Variant type: Deletion.
Coding change: c.993_994del on transcript NM_000059.4 (MANE Select); coding-DNA positions 993 to 994, 2 bases deleted (AA; older notation c.993_994delAA).
Protein change: p.Lys331fs; shifts the reading frame from lysine 331.
Molecular consequence: frameshift variant.
Genome position (GRCh38, 1-based): chr13:32,332,471-32,332,472, AA deleted; deleting any 2 consecutive bases within chr13:32,332,466-32,332,472 gives the same sequence; the c. name uses the placement nearest the transcript's 3' end. VCF-style (leftmost placement, unchanged base first): chr13-32332465-GAA-G. GRCh37 (hg19) VCF-style: chr13-32906602-GAA-G.
Other names: 1221delAA; c.993_994delAA (NM_000059.3); short protein forms K331fs.
Identifiers: ClinVar variation 52922 (VCV000052922.11), dbSNP rs80359777, ClinGen allele CA026339.

ClinVar aggregate classification (germline): Pathogenic. Review status: reviewed by expert panel (3 of 4 stars). 3 submissions from 3 submitters: Pathogenic (1). 2 of the submissions do not count toward it. Last evaluated 2016-09-08.

Conditions:
Hereditary breast ovarian cancer syndrome. Also called: Hereditary breast and ovarian cancer syndrome; Hereditary breast and ovarian cancer; Hereditary breast and ovarian cancer syndrome (HBOC); Breast and ovarian cancer; Hereditary breast and/or ovarian cancer syndrome; BRCA1- and BRCA2-Associated Hereditary Breast and Ovarian Cancer. Identifiers: Orphanet 145, MedGen C0677776, MeSH D061325, MONDO:0003582. Disease mechanism: loss of function.
Breast-ovarian cancer, familial, susceptibility to, 2 (BROVCA2). Also called: BRCA2 Hereditary Breast and Ovarian Cancer. Identifiers: Orphanet 145, MedGen C2675520, MONDO:0012933, OMIM 612555. Disease mechanism: loss of function.

Submissions (3):

Evidence-based Network for the Interpretation of Germline Mutant Alleles (ENIGMA)
Classification: Pathogenic for Breast-ovarian cancer, familial, susceptibility to, 2. Last evaluated: 2016-09-08. Review status: reviewed by expert panel. Criteria: ENIGMA BRCA1/2 Classification Criteria (2015). Collection method: curation. Allele origin: germline.
Comment: Variant allele predicted to encode a truncated non-functional protein.

Labcorp Genetics (formerly Invitae), Labcorp
Classification: Pathogenic for Hereditary breast ovarian cancer syndrome. Last evaluated: 2025-07-23. Review status: criteria provided, single submitter. Criteria: Invitae Variant Classification Sherloc (09022015). Collection method: clinical testing. Allele origin: germline. Not counted in ClinVar's aggregate classification.
Comment: This sequence change creates a premature translational stop signal (p.Lys331Asnfs*4) in the BRCA2 gene. It is expected to result in an absent or disrupted protein product. Loss-of-function variants in BRCA2 are known to be pathogenic (PMID: 20104584). This variant is not present in population databases (gnomAD no frequency). This premature translational stop signal has been observed in individual(s) with clinical features of BRCA2-related conditions (PMID: 10923033, 21520333, 37851290). ClinVar contains an entry for this variant (Variation ID: 52922). For these reasons, this variant has been classified as Pathogenic.

Breast Cancer Information Core (BIC) (BRCA2)
Classification: Pathogenic for Breast-ovarian cancer, familial 2. Last evaluated: 2004-02-20. Review status: no assertion criteria provided. Collection method: clinical testing. Allele origin: germline. Affected: yes. Observed: 1 variant allele. Not counted in ClinVar's aggregate classification.

Literature cited by the submitters: PubMed 20104584 (cited by Labcorp Genetics (formerly Invitae), Labcorp); PubMed 10923033 (cited by Labcorp Genetics (formerly Invitae), Labcorp); PubMed 21520333 (cited by Labcorp Genetics (formerly Invitae), Labcorp); PubMed 37851290 (cited by Labcorp Genetics (formerly Invitae), Labcorp).